The following is an entry in ClinVar:

NC_000004.11:g.(?_128554190)_(128565231_?)dup

Gene: INTU (inturned planar cell polarity protein; plus strand). Cytogenetic location: 4q28.1.
Variant type: Duplication.
Identifiers: ClinVar variation 3246749 (VCV003246749.1).

ClinVar aggregate classification (germline): Uncertain significance (1 of 4 stars; one submission).

Submission:

Labcorp Genetics (formerly Invitae), Labcorp
Classification: Uncertain significance. Last evaluated: 2023-09-14. Review status: criteria provided, single submitter. Criteria: Invitae Variant Classification Sherloc (09022015). Collection method: clinical testing. Allele origin: unknown.
Comment: This variant results in a copy number gain of the genomic region encompassing exon(s) 1-2 of the INTU gene. This region includes the initiator codon of the gene. This copy number gain extends beyond the assayed region for this gene and therefore may encompass additional genes. As the precise location of this event is unknown, it may be in tandem or it may be located elsewhere in the genome. This variant has not been reported in the literature in individuals affected with INTU-related conditions. Experimental studies and prediction algorithms are not available or were not evaluated, and the functional significance of this variant is currently unknown. In summary, the available evidence is currently insufficient to determine the role of this variant in disease. Therefore, it has been classified as a Variant of Uncertain Significance.